The following is an entry in ClinVar:

ClinVar aggregate classification (germline): Uncertain significance (1 of 4 stars; one submission).

Allele frequency attached by ClinVar (database versions not stated): gnomAD exomes below 0.00001.
gnomAD v4.1: 6 of 1,613,322 alleles (0.00037%); highest among the groups gnomAD compares: Non-Finnish European, 0.00051%; no homozygotes.

Submission:

GeneDx
Classification: Uncertain significance. Last evaluated: 2023-08-18. Review status: criteria provided, single submitter. Criteria: GeneDx Variant Classification Process June 2021. Collection method: clinical testing. Allele origin: germline. Affected: yes.
Comment: Not observed at significant frequency in large population cohorts (gnomAD); In silico analysis supports that this variant does not alter splicing; Has not been previously published as pathogenic or benign to our knowledge

NM_000096.4(CP):c.1713G>A (p.Gln571=)

Gene: CP (ceruloplasmin; minus strand). Cytogenetic location: 3q24.
Variant type: single nucleotide variant.
Coding change: c.1713G>A on transcript NM_000096.4 (MANE Select); coding-DNA position 1713, G replaced by A.
Protein change: p.Gln571=; no amino-acid change (glutamine 571 retained).
Molecular consequence: synonymous variant. On other transcripts: non-coding transcript variant (1).
Genome position (GRCh38, 1-based): chr3:149,198,367, C>T on the plus strand (G>A on the coding strand, the complement: CP is on the minus strand). VCF-style: chr3-149198367-C-T. GRCh37 (hg19) VCF-style: chr3-148916154-C-T.
Identifiers: ClinVar variation 3252773 (VCV003252773.1), dbSNP rs2472808314.